The following is an entry in ClinVar:

ClinVar aggregate classification (germline): Pathogenic (1 of 4 stars; one submission).

Conditions:
Wilms tumor 1 (WT1). Also called: Wilms tumor, somatic. Identifiers: Orphanet 654, MedGen CN033288, MONDO:0008679, OMIM 194070.
Drash syndrome (DDS). Also called: NEPHROPATHY, WILMS TUMOR, AND GENITAL ANOMALIES; WILMS TUMOR AND PSEUDO- OR TRUE HERMAPHRODITISM. Identifiers: Orphanet 220, MedGen C0950121, MONDO:0008682, OMIM 194080.
11p partial monosomy syndrome (WAGR). Also called: WAGR Spectrum Disorder; CHROMOSOME 11p13 DELETION SYNDROME; WAGR syndrome; WAGR Complex. Identifiers: Orphanet 893, MedGen C0206115, MONDO:0008681, OMIM 194072.
Frasier syndrome. Identifiers: Orphanet 347, MedGen C0950122, MeSH D052159, MONDO:0007635, OMIM 136680.

Submission:

Labcorp Genetics (formerly Invitae), Labcorp
Classification: Pathogenic for Wilms tumor 1; Drash syndrome; 11p partial monosomy syndrome; Frasier syndrome. Last evaluated: 2017-03-20. Review status: criteria provided, single submitter. Criteria: Invitae Variant Classification Sherloc (09022015). Collection method: clinical testing. Allele origin: germline.
Comment: This sequence change deletes 1 nucleotide from exon 1 of the WT1 mRNA (c.319delG), causing a frameshift at codon 107. This creates a premature translational stop signal (p.Asp107Thrfs*51) and is expected to result in an absent or disrupted protein product. While this particular variant has not been reported in the literature, loss-of-function variants in WT1 are known to be pathogenic (PMID: 15150775). For these reasons, this variant has been classified as Pathogenic.

Literature cited by the submitters: PubMed 15150775.

NM_024426.6(WT1):c.334del (p.Asp112fs)

Genes: WT1 (WT1 transcription factor; minus strand), LOC107982234 (WT1/WT1-AS bi-directional promoter region; plus strand). Cytogenetic location: 11p13.
Variant type: Deletion.
Coding change: c.334del on transcript NM_024426.6 (MANE Select); coding-DNA position 334, one base deleted (G; older notation c.334delG).
Protein change: p.Asp112fs; shifts the reading frame from aspartic acid 112.
Molecular consequence: frameshift variant. On other transcripts: non-coding transcript variant (1).
Genome position (GRCh38, 1-based): chr11:32,435,027, C deleted on the plus strand (G on the coding strand, the reverse complement: WT1 is on the minus strand); the first of 2 consecutive C bases (chr11:32,435,027-32,435,028); deleting either gives the same sequence. VCF-style (leftmost placement, unchanged base first): chr11-32435026-TC-T. GRCh37 (hg19) VCF-style: chr11-32456572-TC-T.
Other names: c.334del, p.Asp112fs (NM_000378.6, NM_024424.5); short protein forms D112fs.
Identifiers: ClinVar variation 476700 (VCV000476700.7), dbSNP rs1554946600, ClinGen allele CA658658040.